The following is an entry in ClinVar:

ClinVar aggregate classification (germline): Conflicting classifications of pathogenicity. Review status: criteria provided, conflicting classifications (1 of 4 stars). 3 submissions from 3 submitters: Uncertain significance (2); Benign (1). Last evaluated 2026-01-25.

Conditions:
Hereditary cancer-predisposing syndrome. Also called: Tumor predisposition; Neoplastic Syndromes, Hereditary; Hereditary Cancer Syndrome; Hereditary neoplastic syndrome. Identifiers: Orphanet 140162, MedGen C0027672, MeSH D009386, MONDO:0015356.
Fanconi anemia complementation group O. Also called: RAD51C-Related Fanconi Anemia. Identifiers: Orphanet 84, MedGen C3150653, MONDO:0013248, OMIM 613390.

Allele frequency attached by ClinVar (database versions not stated): gnomAD exomes below 0.00001.
gnomAD v4.1: 3 of 1,614,212 alleles (0.00019%); highest among the groups gnomAD compares: Non-Finnish European, 0.00025%; no homozygotes.

Submissions (3):

Labcorp Genetics (formerly Invitae), Labcorp
Classification: Uncertain significance for Fanconi anemia complementation group O. Last evaluated: 2026-01-25. Review status: criteria provided, single submitter. Criteria: Invitae Variant Classification Sherloc (09022015). Collection method: clinical testing. Allele origin: germline.
Comment: This sequence change replaces alanine, which is neutral and non-polar, with serine, which is neutral and polar, at codon 152 of the RAD51C protein (p.Ala152Ser). This variant is not present in population databases (gnomAD no frequency). This missense change has been observed in individual(s) with breast cancer (PMID: 30426508). ClinVar contains an entry for this variant (Variation ID: 490127). Invitae Evidence Modeling of protein sequence and biophysical properties (such as structural, functional, and spatial information, amino acid conservation, physicochemical variation, residue mobility, and thermodynamic stability) indicates that this missense variant is not expected to disrupt RAD51C protein function with a negative predictive value of 80%. In summary, the available evidence is currently insufficient to determine the role of this variant in disease. Therefore, it has been classified as a Variant of Uncertain Significance.

Ambry Genetics
Classification: Benign for Hereditary cancer-predisposing syndrome. Last evaluated: 2025-10-28. Review status: criteria provided, single submitter. Criteria: Ambry Variant Classification Scheme 2023. Collection method: clinical testing. Allele origin: germline.

Color Diagnostics, LLC DBA Color Health
Classification: Uncertain significance for Hereditary cancer-predisposing syndrome. Last evaluated: 2019-03-29. Review status: criteria provided, single submitter. Criteria: ACMG Guidelines, 2015. Collection method: clinical testing. Allele origin: germline.

Literature cited by the submitters: PubMed 30426508 (cited by Labcorp Genetics (formerly Invitae), Labcorp and Ambry Genetics).

NM_058216.3(RAD51C):c.454G>T (p.Ala152Ser)

Gene: RAD51C (RAD51 paralog C; plus strand). Cytogenetic location: 17q22.
Variant type: single nucleotide variant.
Coding change: c.454G>T on transcript NM_058216.3 (MANE Select); coding-DNA position 454, G replaced by T.
Protein change: p.Ala152Ser; replaces alanine 152 with serine.
Molecular consequence: missense variant.
Genome position (GRCh38, 1-based): chr17:58,696,742, G>T. VCF-style: chr17-58696742-G-T. GRCh37 (hg19) VCF-style: chr17-56774103-G-T.
Other names: short protein forms A152S.
Identifiers: ClinVar variation 490127 (VCV000490127.18), dbSNP rs1555594643, ClinGen allele CA400344462.
Genomic context (GRCh38, chr17:58,696,742, plus strand): 5'-TCTGTTGACAGTATGCAGTTGGCAGTAGATGTGCAGATACCAGAATGTTTTGGAGGAGTG[G>T]CAGGTGAAGCAGTTTTTATTGATACAGAGGGAAGTTTTATGGTTGATAGAGTGGTAGACC-3'
Protein context (NP_478123.1, residues 142-162): VQIPECFGGV[Ala152Ser]GEAVFIDTEG